The following is an entry in ClinVar:

ClinVar aggregate classification (germline): Uncertain significance (1 of 4 stars; one submission).

Conditions:
Acrocallosal syndrome (ACLS). Also called: HALLUX DUPLICATION, POSTAXIAL POLYDACTYLY, AND ABSENCE OF CORPUS CALLOSUM; Schinzel syndrome 1; Absence of corpus callosum with unusual facial appearance, mental deficiency, duplication of the halluces and polydactyly. Identifiers: Orphanet 36, MedGen C0796147, MONDO:0008708, OMIM 200990.

Allele frequency attached by ClinVar (database versions not stated): TOPMed 0.00001; gnomAD 0.00002 and 0.00004.
gnomAD v4.1: 96 of 1,505,430 alleles (0.0064%); highest among the groups gnomAD compares: East Asian, 0.25%; no homozygotes.

Submission:

Labcorp Genetics (formerly Invitae), Labcorp
Classification: Uncertain significance for Acrocallosal syndrome. Last evaluated: 2024-04-10. Review status: criteria provided, single submitter. Criteria: Invitae Variant Classification Sherloc (09022015). Collection method: clinical testing. Allele origin: germline.
Comment: This sequence change replaces serine, which is neutral and polar, with phenylalanine, which is neutral and non-polar, at codon 456 of the KIF7 protein (p.Ser456Phe). This variant is not present in population databases (gnomAD no frequency). This variant has not been reported in the literature in individuals affected with KIF7-related conditions. ClinVar contains an entry for this variant (Variation ID: 1374023). Advanced modeling of protein sequence and biophysical properties (such as structural, functional, and spatial information, amino acid conservation, physicochemical variation, residue mobility, and thermodynamic stability) performed at Invitae indicates that this missense variant is not expected to disrupt KIF7 protein function with a negative predictive value of 80%. In summary, the available evidence is currently insufficient to determine the role of this variant in disease. Therefore, it has been classified as a Variant of Uncertain Significance.

NM_198525.3(KIF7):c.1367C>T (p.Ser456Phe)

Gene: KIF7 (kinesin family member 7; minus strand). Cytogenetic location: 15q26.1.
Variant type: single nucleotide variant.
Coding change: c.1367C>T on transcript NM_198525.3 (MANE Select); coding-DNA position 1367, C replaced by T.
Protein change: p.Ser456Phe; replaces serine 456 with phenylalanine.
Molecular consequence: missense variant.
Genome position (GRCh38, 1-based): chr15:89,648,331, G>A on the plus strand (C>T on the coding strand, the complement: KIF7 is on the minus strand). VCF-style: chr15-89648331-G-A. GRCh37 (hg19) VCF-style: chr15-90191562-G-A.
Other names: short protein forms S456F.
Identifiers: ClinVar variation 1374023 (VCV001374023.6), dbSNP rs1175288371, ClinGen allele CA393770944.
Genomic context (GRCh38, chr15:89,648,331, plus strand): 5'-CCCTGCGCCGCCTGGTCCTCGACGGAGGCGCTCTCGATGCCGCTATCGGGCCCGGAGGCG[G>A]AGCTCAGGGCGCTGCGCTCGCCCTCGACGGCGCACAGCCAGTCGCGCACCTTGCGGGCGG-3'
Protein context (NP_940927.2, residues 446-466): AVEGERSALS[Ser456Phe]ASGPDSGIES